The following is an entry in ClinVar:

ClinVar aggregate classification (germline): Pathogenic (0 of 4 stars; one submission).

Conditions:
Leukocyte adhesion deficiency 3. Also called: Leukocyte adhesion deficiency, type III; INTEGRIN ACTIVATION DEFICIENCY DISEASE; LEUKOCYTE ADHESION DEFICIENCY 1 VARIANT. Identifiers: Orphanet 2968, Orphanet 99844, MedGen C2748536, MONDO:0013016, OMIM 612840.

Submission:

Koker Lab, University of Erciyes Medical School
Classification: Pathogenic for Leukocyte adhesion deficiency 3. Last evaluated: 2020-05-05. Review status: no assertion criteria provided. Collection method: clinical testing. Allele origin: somatic. Inheritance: Autosomal recessive inheritance. Affected: yes. Observed: 1 homozygote.
Comment: This mutation is confirmed by intracellular lack of expression of Kindlin-3 by western blot.

Literature cited by the submitters: PubMed 19064721.

NM_031471.6(FERMT3):c.921del (p.Ser307fs)

Gene: FERMT3 (FERM domain containing kindlin 3; plus strand). Cytogenetic location: 11q13.1.
Variant type: Deletion.
Coding change: c.921del on transcript NM_031471.6 (MANE Select); coding-DNA position 921, one base deleted (C; older notation c.921delC).
Protein change: p.Ser307fs; shifts the reading frame from serine 307.
Molecular consequence: frameshift variant.
Genome position (GRCh38, 1-based): chr11:64,219,550, C deleted. VCF-style (leftmost placement, unchanged base first): chr11-64219549-GC-G. GRCh37 (hg19) VCF-style: chr11-63987021-GC-G.
Other names: c.921del, p.Ser307fs (NM_001382361.1, NM_001382362.1, NM_001382448.1 and 1 more transcripts); c.381del, p.Ser127fs (NM_001382363.1, NM_001382364.1); c.921delC (NM_178443.3); short protein forms S127fs, S307fs.
Identifiers: ClinVar variation 1686803 (VCV001686803.3), dbSNP rs2134880586, ClinGen allele CA2573147639.
Genomic context (GRCh38, chr11:64,219,549, plus strand): 5'-TGGACTCAGCCCTCCCTGGCTTCATGACCACCTAGTACCACATCAACAAGCTGTCCCAGA[GC>G]GGGGAGGTGGGGGAGCCGGCTGGCACAGACCCAGGGCTGGACGACCTGGATGTGGCCCTG-3'